The following is an entry in ClinVar:

ClinVar aggregate classification (germline): Uncertain significance (1 of 4 stars; one submission).

Conditions:
Hereditary breast ovarian cancer syndrome. Also called: Hereditary breast and ovarian cancer syndrome; Hereditary breast and ovarian cancer syndrome (HBOC); BRCA1- and BRCA2-Associated Hereditary Breast and Ovarian Cancer; Hereditary breast and ovarian cancer; Breast and ovarian cancer; Hereditary breast and/or ovarian cancer syndrome. Identifiers: Orphanet 145, MedGen C0677776, MeSH D061325, MONDO:0003582. Disease mechanism: loss of function.

Submission:

Labcorp Genetics (formerly Invitae), Labcorp
Classification: Uncertain significance for Hereditary breast ovarian cancer syndrome. Last evaluated: 2025-01-14. Review status: criteria provided, single submitter. Criteria: Invitae Variant Classification Sherloc (09022015). Collection method: clinical testing. Allele origin: germline.
Comment: This sequence change replaces isoleucine, which is neutral and non-polar, with valine, which is neutral and non-polar, at codon 2751 of the BRCA2 protein (p.Ile2751Val). This variant is not present in population databases (gnomAD no frequency). This variant has not been reported in the literature in individuals affected with BRCA2-related conditions. Invitae Evidence Modeling of protein sequence and biophysical properties (such as structural, functional, and spatial information, amino acid conservation, physicochemical variation, residue mobility, and thermodynamic stability) indicates that this missense variant is not expected to disrupt BRCA2 protein function with a negative predictive value of 95%. In summary, the available evidence is currently insufficient to determine the role of this variant in disease. Therefore, it has been classified as a Variant of Uncertain Significance.

NM_000059.4(BRCA2):c.8251A>G (p.Ile2751Val)

Gene: BRCA2 (BRCA2 DNA repair associated; plus strand). Cytogenetic location: 13q13.1.
Variant type: single nucleotide variant.
Coding change: c.8251A>G on transcript NM_000059.4 (MANE Select); coding-DNA position 8251, A replaced by G.
Protein change: p.Ile2751Val; replaces isoleucine 2751 with valine.
Molecular consequence: missense variant. On other transcripts: non-coding transcript variant (1).
Genome position (GRCh38, 1-based): chr13:32,363,453, A>G. VCF-style: chr13-32363453-A-G. GRCh37 (hg19) VCF-style: chr13-32937590-A-G.
Other names: c.8155A>G, p.Ile2719Val (NM_001406719.1); c.8251A>G, p.Ile2751Val (NM_001406720.1, NM_001432077.1); c.3319A>G, p.Ile1107Val (NM_001406721.1); c.1834A>G, p.Ile612Val (NM_001406722.1); short protein forms I2719V, I612V, I1107V, I2751V.
Identifiers: ClinVar variation 3636534 (VCV003636534.2).
Genomic context (GRCh38, chr13:32,363,453, plus strand): 5'-CAGTTAGATCCTCCCCTCTTAGCTGTCTTAAAGAATGGCAGACTGACAGTTGGTCAGAAG[A>G]TTATTCTTCATGGAGCAGAACTGGTGGGCTCTCCTGATGCCTGTACACCTCTTGAAGCCC-3'
Protein context (NP_000050.3, residues 2741-2761): KNGRLTVGQK[Ile2751Val]ILHGAELVGS